The following is an entry in ClinVar:

NM_144701.3(IL23R):c.46A>G (p.Ile16Val)

Gene: IL23R (interleukin 23 receptor; plus strand). Cytogenetic location: 1p31.3.
Variant type: single nucleotide variant.
Coding change: c.46A>G on transcript NM_144701.3 (MANE Select); coding-DNA position 46, A replaced by G.
Protein change: p.Ile16Val; replaces isoleucine 16 with valine.
Molecular consequence: missense variant.
Genome position (GRCh38, 1-based): chr1:67,168,166, A>G. VCF-style: chr1-67168166-A-G. GRCh37 (hg19) VCF-style: chr1-67633849-A-G.
Other names: short protein forms I16V.
Identifiers: ClinVar variation 1945050 (VCV001945050.5), dbSNP rs761754539, ClinGen allele CA899619.

ClinVar aggregate classification (germline): Uncertain significance (1 of 4 stars; one submission).

Allele frequency attached by ClinVar (database versions not stated): TOPMed below 0.00001; ExAC 0.00001; gnomAD 0.00001; gnomAD exomes 0.00001.
gnomAD v4.1: 10 of 1,611,436 alleles (0.00062%); highest among the groups gnomAD compares: South Asian, 0.0011%; no homozygotes.

Submission:

Labcorp Genetics (formerly Invitae), Labcorp
Classification: Uncertain significance. Last evaluated: 2022-08-27. Review status: criteria provided, single submitter. Criteria: Invitae Variant Classification Sherloc (09022015). Collection method: clinical testing. Allele origin: germline.
Comment: In summary, the available evidence is currently insufficient to determine the role of this variant in disease. Therefore, it has been classified as a Variant of Uncertain Significance. Algorithms developed to predict the effect of missense changes on protein structure and function output the following: SIFT: "Tolerated"; PolyPhen-2: "Benign"; Align-GVGD: "Class C0". The valine amino acid residue is found in multiple mammalian species, which suggests that this missense change does not adversely affect protein function. This variant has not been reported in the literature in individuals affected with IL23R-related conditions. This variant is present in population databases (rs761754539, gnomAD 0.003%). This sequence change replaces isoleucine, which is neutral and non-polar, with valine, which is neutral and non-polar, at codon 16 of the IL23R protein (p.Ile16Val).